The following is an entry in ClinVar:

NM_001754.5(RUNX1):c.508+169G>A

Genes: RUNX1 (RUNX family transcription factor 1; minus strand), RUNX1-AS1 (RUNX1 antisense RNA 1; plus strand). Cytogenetic location: 21q22.12.
Variant type: single nucleotide variant.
Coding change: c.508+169G>A on transcript NM_001754.5 (MANE Select); 169 bases into the intron after coding-DNA position 508, G replaced by A.
Molecular consequence: intron variant.
Genome position (GRCh38, 1-based): chr21:34,880,388, C>T on the plus strand (G>A on the coding strand, the complement: RUNX1 is on the minus strand). VCF-style: chr21-34880388-C-T. GRCh37 (hg19) VCF-style: chr21-36252685-C-T.
Other names: c.427+169G>A (NM_001001890.3, NM_001122607.2).
Identifiers: ClinVar variation 1207107 (VCV001207107.4), dbSNP rs113118471, ClinGen allele CA320637635.

ClinVar aggregate classification (germline): Benign. Review status: reviewed by expert panel (3 of 4 stars). 2 submissions from 2 submitters: Benign (1). 1 of the submissions does not count toward it. Last evaluated 2025-02-25.

Conditions:
Hereditary thrombocytopenia and hematologic cancer predisposition syndrome. Identifiers: Orphanet 71290, MedGen CN281654, MONDO:0011071.

Allele frequency attached by ClinVar (database versions not stated): 1000 Genomes Project 0.01318; gnomAD 0.01324 and 0.01414; 1000 Genomes Project 30x 0.01390; TOPMed 0.01523.
gnomAD v4.1: 1,986 of 152,236 alleles (1.3%); highest among the groups gnomAD compares: African/African-American, 4.5%; 51 homozygotes.

Submissions (2):

ClinGen Myeloid Malignancy Variant Curation Expert Panel
Classification: Benign for Hereditary thrombocytopenia and hematologic cancer predisposition syndrome. Last evaluated: 2025-02-25. Review status: reviewed by expert panel. Criteria: ClinGen MyeloMalig ACMG Specifications v2. Collection method: curation. Allele origin: germline. Inheritance: Autosomal dominant inheritance.
Comment: NM_001754.5(RUNX1):c.508+169G>A is an intronic variant. This variant is present in the African/African American subpopulation of the gnomAD cohort v3 at MAF of 0.047, 4.7%, 408/8708 alleles (BA1). The intronic variant was not predicted to cause splicing effect and not evolutionary conserved (BP4, BP7). In summary, this variant meets criteria to be classified as Benign. ACMG/AMP criteria applied, as specified by the Myeloid Malignancy Variant Curation Expert Panel for RUNX1: BA1, BP4, BP7

GeneDx
Classification: Likely benign. Last evaluated: 2018-06-23. Review status: criteria provided, single submitter. Criteria: GeneDx Variant Classification Process June 2021. Collection method: clinical testing. Allele origin: germline. Affected: yes. Not counted in ClinVar's aggregate classification.